The following is an entry in ClinVar:

ClinVar aggregate classification (germline): Pathogenic (1 of 4 stars; one submission).

Conditions:
Hereditary cancer-predisposing syndrome. Also called: Tumor predisposition; Hereditary neoplastic syndrome; Hereditary Cancer Syndrome; Neoplastic Syndromes, Hereditary. Identifiers: Orphanet 140162, MedGen C0027672, MeSH D009386, MONDO:0015356.

Submission:

Ambry Genetics
Classification: Pathogenic for Hereditary cancer-predisposing syndrome. Last evaluated: 2025-05-13. Review status: criteria provided, single submitter. Criteria: Ambry Variant Classification Scheme 2023. Collection method: clinical testing. Allele origin: germline.
Comment: The c.355delT pathogenic mutation, located in coding exon 3 of the TSC1 gene, results from a deletion of one nucleotide at nucleotide position 355, causing a translational frameshift with a predicted alternate stop codon (p.C119Vfs*18). This variant is considered to be rare based on population cohorts in the Genome Aggregation Database (gnomAD). This alteration is expected to result in loss of function by premature protein truncation or nonsense-mediated mRNA decay. As such, this alteration is interpreted as a disease-causing mutation.

NM_000368.5(TSC1):c.355del (p.Cys119fs)

Gene: TSC1 (TSC complex subunit 1; minus strand). Cytogenetic location: 9q34.13.
Variant type: Deletion.
Coding change: c.355del on transcript NM_000368.5 (MANE Select); coding-DNA position 355, one base deleted (T; older notation c.355delT).
Protein change: p.Cys119fs; shifts the reading frame from cysteine 119.
Molecular consequence: frameshift variant. On other transcripts: 5 prime UTR variant (18), non-coding transcript variant (5), intron variant (5).
Genome position (GRCh38, 1-based): chr9:132,925,595, A deleted on the plus strand (T on the coding strand, the reverse complement: TSC1 is on the minus strand). VCF-style (leftmost placement, unchanged base first): chr9-132925594-CA-C. GRCh37 (hg19) VCF-style: chr9-135800981-CA-C.
Other names: c.355del, p.Cys119fs (NM_001406593.1, NM_001406594.1, NM_001406595.1 and 16 more transcripts); c.-101del (NM_001406614.1, NM_001406616.1, NM_001406624.1); c.-134del (NM_001406615.1, NM_001406623.1); c.-9del (NM_001406617.1, NM_001406618.1, NM_001406619.1 and 5 more transcripts); c.-523del (NM_001406626.1, NM_001406627.1, NM_001406628.1); c.-665del (NM_001406629.1); c.-739del (NM_001406630.1); c.210+1606del (NM_001406613.1, NM_001406612.1, NM_001406610.1 and 2 more transcripts); short protein forms C119fs.
Identifiers: ClinVar variation 3974569 (VCV003974569.1).
Genomic context (GRCh38, chr9:132,925,594, plus strand): 5'-TCAGAAACTATACTCATAAAACCATTTCATTCAAATCCTTACAAACATCCTACCTTGAGA[CA>C]TTTTAGTAAAGAAGGCAAAAGAGGTGCTTGAGAGAGCTTATGCTTCCAAGATGGCTGCAG-3'